The following is an entry in ClinVar:

NM_004977.3(KCNC3):c.1338C>T (p.Asn446=)

Gene: KCNC3 (potassium voltage-gated channel subfamily C member 3; minus strand). Cytogenetic location: 19q13.33.
Variant type: single nucleotide variant.
Coding change: c.1338C>T on transcript NM_004977.3 (MANE Select); coding-DNA position 1338, C replaced by T.
Protein change: p.Asn446=; no amino-acid change (asparagine 446 retained).
Molecular consequence: synonymous variant.
Genome position (GRCh38, 1-based): chr19:50,323,615, G>A on the plus strand (C>T on the coding strand, the complement: KCNC3 is on the minus strand). VCF-style: chr19-50323615-G-A. GRCh37 (hg19) VCF-style: chr19-50826872-G-A.
Other names: c.1110C>T, p.Asn370= (NM_001372305.1).
Identifiers: ClinVar variation 447620 (VCV000447620.35), dbSNP rs140640214, ClinGen allele CA9594249.

ClinVar aggregate classification (germline): Likely benign. Review status: criteria provided, multiple submitters, no conflicts (2 of 4 stars). 3 submissions from 3 submitters: Likely benign (3). Last evaluated 2024-05-15.

Allele frequency attached by ClinVar (database versions not stated): ExAC 0.00002; gnomAD exomes 0.00002; TOPMed 0.00003; gnomAD 0.00005; ESP Exome Variant Server 0.00008.
gnomAD v4.1: 36 of 1,614,098 alleles (0.0022%); highest among the groups gnomAD compares: African/African-American, 0.004%; no homozygotes.

Submissions (3):

Labcorp Genetics (formerly Invitae), Labcorp
Classification: Likely benign. Last evaluated: 2024-05-15. Review status: criteria provided, single submitter. Criteria: Invitae Variant Classification Sherloc (09022015). Collection method: clinical testing. Allele origin: germline.

CeGaT Center for Human Genetics Tuebingen
Classification: Likely benign. Last evaluated: 2023-05-01. Review status: criteria provided, single submitter. Criteria: CeGaT Center For Human Genetics Tuebingen Variant Classification Criteria Version 2. Collection method: clinical testing. Allele origin: germline. Affected: yes. Observed: 1 variant allele.
Comment: KCNC3: BP4, BP7

Athena Diagnostics
Classification: Likely benign. Last evaluated: 2017-01-27. Review status: criteria provided, single submitter. Criteria: Athena Diagnostics Criteria. Collection method: clinical testing. Allele origin: germline.